The following is an entry in ClinVar:

ClinVar aggregate classification (germline): Uncertain significance. Review status: criteria provided, multiple submitters, no conflicts (2 of 4 stars). 4 submissions from 4 submitters: Uncertain significance (4). Last evaluated 2024-10-16.

Allele frequency attached by ClinVar (database versions not stated): ExAC 0.00002; gnomAD exomes 0.00002; gnomAD 0.00007 and 0.00008; ESP Exome Variant Server 0.00008; TOPMed 0.00011.
gnomAD v4.1: 40 of 1,613,942 alleles (0.0025%); highest among the groups gnomAD compares: Admixed American, 0.017%; no homozygotes.

Submissions (4):

GeneDx
Classification: Uncertain significance. Last evaluated: 2024-10-16. Review status: criteria provided, single submitter. Criteria: GeneDx Variant Classification Process June 2021. Collection method: clinical testing. Allele origin: germline. Affected: yes.
Comment: Reported previously as a de novo variant in a patient with a developmental disorder; however, no further clinical information was provided and the patient also harbored de novo variants in other genes (PMID: 33057194, 35982159); Not observed at significant frequency in large population cohorts (gnomAD); In silico analysis supports that this missense variant has a deleterious effect on protein structure/function; This variant is associated with the following publications: (PMID: 35982159, 33057194)

Mayo Clinic Laboratories, Mayo Clinic
Classification: Uncertain significance. Last evaluated: 2024-01-04. Review status: criteria provided, single submitter. Criteria: ACMG Guidelines, 2015. Collection method: clinical testing. Allele origin: germline. Observed: 1 variant allele.
Comment: PM2_moderate

Ambry Genetics
Classification: Uncertain significance. Last evaluated: 2023-12-26. Review status: criteria provided, single submitter. Criteria: Ambry Variant Classification Scheme 2023. Collection method: clinical testing. Allele origin: germline.

Labcorp Genetics (formerly Invitae), Labcorp
Classification: Uncertain significance. Last evaluated: 2022-05-02. Review status: criteria provided, single submitter. Criteria: Invitae Variant Classification Sherloc (09022015). Collection method: clinical testing. Allele origin: germline.
Comment: This sequence change replaces arginine, which is basic and polar, with cysteine, which is neutral and slightly polar, at codon 732 of the SBF1 protein (p.Arg732Cys). This variant is present in population databases (rs377118893, gnomAD 0.01%). This variant has not been reported in the literature in individuals affected with SBF1-related conditions. Algorithms developed to predict the effect of missense changes on protein structure and function are either unavailable or do not agree on the potential impact of this missense change (SIFT: "Deleterious"; PolyPhen-2: "Probably Damaging"; Align-GVGD: "Class C0"). Algorithms developed to predict the effect of sequence changes on RNA splicing suggest that this variant may create or strengthen a splice site. In summary, the available evidence is currently insufficient to determine the role of this variant in disease. Therefore, it has been classified as a Variant of Uncertain Significance.

Literature cited by the submitters: PubMed 33057194 (cited by Mayo Clinic Laboratories, Mayo Clinic); PubMed 35982159 (cited by Mayo Clinic Laboratories, Mayo Clinic).

NM_002972.4(SBF1):c.2194C>T (p.Arg732Cys)

Gene: SBF1 (SET binding factor 1; minus strand). Cytogenetic location: 22q13.33.
Variant type: single nucleotide variant.
Coding change: c.2194C>T on transcript NM_002972.4 (MANE Select); coding-DNA position 2194, C replaced by T.
Protein change: p.Arg732Cys; replaces arginine 732 with cysteine.
Molecular consequence: missense variant.
Genome position (GRCh38, 1-based): chr22:50,462,407, G>A on the plus strand (C>T on the coding strand, the complement: SBF1 is on the minus strand). VCF-style: chr22-50462407-G-A. GRCh37 (hg19) VCF-style: chr22-50900836-G-A.
Other names: p.Arg732Cys; c.2197C>T, p.Arg733Cys (NM_001365819.1); c.2194C>T (NM_002972.2); short protein forms R732C, R733C.
Identifiers: ClinVar variation 1426555 (VCV001426555.6), dbSNP rs377118893, ClinGen allele CA10317301.